The following is an entry in ClinVar:

ClinVar aggregate classification (germline): Benign. Review status: criteria provided, multiple submitters, no conflicts (2 of 4 stars). 9 submissions from 9 submitters: Benign (8). 1 of the submissions does not count toward it. Last evaluated 2026-02-03.

Conditions:
Inborn genetic diseases. Identifiers: MedGen C0950123, MeSH D030342.
Smith-Magenis syndrome (SMS). Also called: CHROMOSOME 17p11.2 DELETION SYNDROME. Identifiers: Orphanet 819, MedGen C0795864, MONDO:0008434, OMIM 182290.

Allele frequency attached by ClinVar (database versions not stated): gnomAD exomes 0.05527 and 0.05840; ExAC 0.05794; 1000 Genomes Project 0.07308; 1000 Genomes Project 30x 0.07542; gnomAD 0.08908 and 0.09361; TOPMed 0.09063; ESP Exome Variant Server 0.09797.
gnomAD v4.1: 98,868 of 1,613,206 alleles (6.1%); highest among the groups gnomAD compares: African/African-American, 18%; 3,877 homozygotes.

Submissions (9):

Labcorp Genetics (formerly Invitae), Labcorp
Classification: Benign. Last evaluated: 2026-02-03. Review status: criteria provided, single submitter. Criteria: Invitae Variant Classification Sherloc (09022015). Collection method: clinical testing. Allele origin: germline.

Mayo Clinic Laboratories, Mayo Clinic
Classification: Benign. Last evaluated: 2022-11-10. Review status: criteria provided, single submitter. Criteria: ACMG Guidelines, 2015. Collection method: clinical testing. Allele origin: germline. Observed: 3 variant alleles.

Athena Diagnostics
Classification: Benign for Smith-Magenis syndrome. Last evaluated: 2017-05-03. Review status: criteria provided, single submitter. Criteria: Athena Diagnostics Criteria. Collection method: clinical testing. Allele origin: germline.

Ambry Genetics
Classification: Benign for Inborn genetic diseases. Last evaluated: 2016-04-15. Review status: criteria provided, single submitter. Criteria: Ambry Variant Classification Scheme 2023. Collection method: clinical testing. Allele origin: germline.

GeneDx
Classification: Benign. Last evaluated: 2015-03-03. Review status: criteria provided, single submitter. Criteria: GeneDx Variant Classification Process June 2021. Collection method: clinical testing. Allele origin: germline. Affected: yes.

Eurofins Ntd Llc (ga)
Classification: Benign. Last evaluated: 2014-12-22. Review status: criteria provided, single submitter. Criteria: EGL Classification Definitions 2015. Collection method: clinical testing. Allele origin: germline. Observed: 11 variant alleles, 10 heterozygotes, 1 homozygote.

Breakthrough Genomics
Classification: Benign. Review status: criteria provided, single submitter. Criteria: ACMG Guidelines, 2015. Collection method: not provided. Allele origin: germline. Inheritance: Autosomal dominant inheritance. Affected: yes.

PreventionGenetics, part of Exact Sciences
Classification: Benign. Review status: criteria provided, single submitter. Criteria: ACMG Guidelines, 2015. Collection method: clinical testing. Allele origin: germline.

Genetic Services Laboratory, University of Chicago
Classification: Likely benign for AllHighlyPenetrant. Review status: no assertion criteria provided. Collection method: clinical testing. Allele origin: germline. Inheritance: Autosomal dominant inheritance. Not counted in ClinVar's aggregate classification.
Comment: Likely benign based on allele frequency in 1000 Genomes Project or ESP global frequency and its presence in a patient with a rare or unrelated disease phenotype. NOT Sanger confirmed.

NM_030665.4(RAI1):c.4530C>T (p.Pro1510=)

Gene: RAI1 (retinoic acid induced 1; plus strand). Cytogenetic location: 17p11.2.
Variant type: single nucleotide variant.
Coding change: c.4530C>T on transcript NM_030665.4 (MANE Select); coding-DNA position 4530, C replaced by T.
Protein change: p.Pro1510=; no amino-acid change (proline 1510 retained).
Molecular consequence: synonymous variant.
Genome position (GRCh38, 1-based): chr17:17,797,478, C>T. VCF-style: chr17-17797478-C-T. GRCh37 (hg19) VCF-style: chr17-17700792-C-T.
Other names: p.Pro1510=.
Identifiers: ClinVar variation 96192 (VCV000096192.25), dbSNP rs35686634, ClinGen allele CA149341.